The following is an entry in ClinVar:

NM_000077.5(CDKN2A):c.-11C>G

Genes: CDKN2A (cyclin dependent kinase inhibitor 2A; minus strand), LOC130001603 (ATAC-STARR-seq lymphoblastoid silent region 19811; plus strand). Cytogenetic location: 9p21.3.
Variant type: single nucleotide variant.
Coding change: c.-11C>G on transcript NM_000077.5; 11 bases upstream of the start codon, C replaced by G.
Molecular consequence: 5 prime UTR variant (on NM_001195132.2). On other transcripts: intron variant (2).
Genome position (GRCh38, 1-based): chr9:21,974,838, G>C on the plus strand (C>G on the coding strand, the complement: CDKN2A is on the minus strand). VCF-style: chr9-21974838-G-C. GRCh37 (hg19) VCF-style: chr9-21974837-G-C.
Other names: c.-11C>G (NM_000077.6, NM_001195132.2, NM_058197.5); c.-3-3630C>G (NM_001363763.2); c.194-3630C>G (NM_058195.4).
Identifiers: ClinVar variation 918804 (VCV000918804.3), dbSNP rs763379519, ClinGen allele CA913188288.

ClinVar aggregate classification (germline): Uncertain significance (1 of 4 stars; one submission).

Conditions:
Hereditary cancer-predisposing syndrome. Also called: Tumor predisposition; Neoplastic Syndromes, Hereditary; Hereditary neoplastic syndrome; Hereditary Cancer Syndrome. Identifiers: Orphanet 140162, MedGen C0027672, MeSH D009386, MONDO:0015356.

gnomAD v4.1: 1 of 1,565,652 alleles (0.000064%); highest among the groups gnomAD compares: Non-Finnish European, 0.000086%; no homozygotes.

Submission:

Color Diagnostics, LLC DBA Color Health
Classification: Uncertain significance for Hereditary cancer-predisposing syndrome. Last evaluated: 2020-01-31. Review status: criteria provided, single submitter. Criteria: ACMG Guidelines, 2015. Collection method: clinical testing. Allele origin: germline.
Comment: This variant causes a G to C nucleotide substitution at the -11 position in the 5' untranslated region of the CDKN2A (p16INK4A) gene. This variant is located distal to the Kozak consensus sequence (PMID: 3313277). To our knowledge, functional studies have not been performed for this variant. This variant has not been reported in individuals affected with hereditary cancer in the literature. This variant has not been identified in the general population by the Genome Aggregation Database (gnomAD). Although there is a suspicion that this variant may not be associated with disease, additional studies are necessary to determine the role of this variant in disease conclusively. Therefore, this variant is classified as a Variant of Uncertain Significance.